The following is an entry in ClinVar:

NM_001848.3(COL6A1):c.1336-145G>A

Gene: COL6A1 (collagen type VI alpha 1 chain; plus strand). Cytogenetic location: 21q22.3.
Variant type: single nucleotide variant.
Coding change: c.1336-145G>A on transcript NM_001848.3 (MANE Select); 145 bases into the intron before coding-DNA position 1336, G replaced by A.
Molecular consequence: intron variant.
Genome position (GRCh38, 1-based): chr21:45,994,022, G>A. VCF-style: chr21-45994022-G-A. GRCh37 (hg19) VCF-style: chr21-47413936-G-A.
Identifiers: ClinVar variation 3051409 (VCV003051409.2), dbSNP rs1263618253, ClinGen allele CA749834978.

ClinVar aggregate classification (germline): Likely benign (0 of 4 stars; one submission).

Conditions:
COL6A1-related disorder. Also called: COL6A1-related condition.

Allele frequency attached by ClinVar (database versions not stated): gnomAD 0.00001; TOPMed 0.00002.
gnomAD v4.1: 10 of 840,772 alleles (0.0012%); highest among the groups gnomAD compares: Non-Finnish European, 0.0014%; no homozygotes.

Submission:

PreventionGenetics, part of Exact Sciences
Classification: Likely benign for COL6A1-related condition. Last evaluated: 2023-12-08. Review status: no assertion criteria provided. Collection method: clinical testing. Allele origin: germline.
Comment: This variant is classified as likely benign based on ACMG/AMP sequence variant interpretation guidelines (Richards et al. 2015 PMID: 25741868, with internal and published modifications).